The following is an entry in ClinVar:

NM_020774.4(MIB1):c.806G>A (p.Gly269Glu)

Gene: MIB1 (MIB E3 ubiquitin protein ligase 1; plus strand). Cytogenetic location: 18q11.2.
Variant type: single nucleotide variant.
Coding change: c.806G>A on transcript NM_020774.4 (MANE Select); coding-DNA position 806, G replaced by A.
Protein change: p.Gly269Glu; replaces glycine 269 with glutamic acid.
Molecular consequence: missense variant.
Genome position (GRCh38, 1-based): chr18:21,779,583, G>A. VCF-style: chr18-21779583-G-A. GRCh37 (hg19) VCF-style: chr18-19359544-G-A.
Other names: short protein forms G269E.
Identifiers: ClinVar variation 3395765 (VCV003395765.1).
Genomic context (GRCh38, chr18:21,779,583, plus strand): 5'-GTGACCTGGTAAATATAGATCTCGACCTCGAAATTGTACAGTCTTTGCAGCATGGTCATG[G>A]AGGATGGACTGATGGAATGTTTGAGACTTTAACTACAACTGGAACTGTTTGTGGCATTGA-3'
Protein context (NP_065825.1, residues 259-279): EIVQSLQHGH[Gly269Glu]GWTDGMFETL

ClinVar aggregate classification (germline): Uncertain significance (1 of 4 stars; one submission).

Conditions:
Inborn genetic diseases. Identifiers: MedGen C0950123, MeSH D030342.

Submission:

Ambry Genetics
Classification: Uncertain significance for Inborn genetic diseases. Last evaluated: 2024-08-31. Review status: criteria provided, single submitter. Criteria: Ambry Variant Classification Scheme 2023. Collection method: clinical testing. Allele origin: germline.
Comment: The p.G269E variant (also known as c.806G>A), located in coding exon 6 of the MIB1 gene, results from a G to A substitution at nucleotide position 806. The glycine at codon 269 is replaced by glutamic acid, an amino acid with similar properties. This amino acid position is conserved. In addition, this alteration is predicted to be deleterious by in silico analysis. Based on the available evidence, the clinical significance of this variant remains unclear.